The following is an entry in ClinVar:

ClinVar aggregate classification (germline): Uncertain significance (1 of 4 stars; one submission).

Allele frequency attached by ClinVar (database versions not stated): gnomAD 0.00001; gnomAD exomes 0.00001 and 0.00002; TOPMed 0.00001; ExAC 0.00002.
gnomAD v4.1: 25 of 1,613,662 alleles (0.0015%); highest among the groups gnomAD compares: South Asian, 0.0044%; no homozygotes.

Submission:

Labcorp Genetics (formerly Invitae), Labcorp
Classification: Uncertain significance. Last evaluated: 2023-01-03. Review status: criteria provided, single submitter. Criteria: Invitae Variant Classification Sherloc (09022015). Collection method: clinical testing. Allele origin: germline.
Comment: In summary, the available evidence is currently insufficient to determine the role of this variant in disease. Therefore, it has been classified as a Variant of Uncertain Significance. Algorithms developed to predict the effect of missense changes on protein structure and function output the following: SIFT: "Tolerated"; PolyPhen-2: "Benign"; Align-GVGD: "Class C0". The methionine amino acid residue is found in multiple mammalian species, which suggests that this missense change does not adversely affect protein function. ClinVar contains an entry for this variant (Variation ID: 1512482). This variant has not been reported in the literature in individuals affected with ITGAM-related conditions. This variant is present in population databases (rs770972324, gnomAD 0.008%). This sequence change replaces valine, which is neutral and non-polar, with methionine, which is neutral and non-polar, at codon 109 of the ITGAM protein (p.Val109Met).

NM_000632.4(ITGAM):c.325G>A (p.Val109Met)

Genes: ITGAM (integrin subunit alpha M; plus strand), LOC126862331 (P300/CBP strongly-dependent group 1 enhancer GRCh37_chr16:31276375-31277574; plus strand). Cytogenetic location: 16p11.2.
Variant type: single nucleotide variant.
Coding change: c.325G>A on transcript NM_000632.4 (MANE Select); coding-DNA position 325, G replaced by A.
Protein change: p.Val109Met; replaces valine 109 with methionine.
Molecular consequence: missense variant.
Genome position (GRCh38, 1-based): chr16:31,266,045, G>A. VCF-style: chr16-31266045-G-A. GRCh37 (hg19) VCF-style: chr16-31277366-G-A.
Other names: c.325G>A, p.Val109Met (NM_001145808.2); short protein forms V109M.
Identifiers: ClinVar variation 1512482 (VCV001512482.8), dbSNP rs770972324, ClinGen allele CA8025202.
Genomic context (GRCh38, chr16:31,266,045, plus strand): 5'-GACAGGAAGCAGGGGCAGCCCCTTCCACTGGCTCCTGTCCCCTAGGCCTGTGGTCCCACC[G>A]TGCACCAGACTTGCAGTGAGAACACGTATGTGAAAGGGCTCTGCTTCCTGTTTGGATCCA-3'
Protein context (NP_000623.2, residues 99-119): PPQLLACGPT[Val109Met]HQTCSENTYV